The following is an entry in ClinVar:

NM_003737.4(DCHS1):c.3945_3946delinsAA (p.Arg1316Ser)

Gene: DCHS1 (dachsous cadherin-related 1; minus strand). Cytogenetic location: 11p15.4.
Variant type: Indel.
Coding change: c.3945_3946delinsAA on transcript NM_003737.4 (MANE Select); coding-DNA positions 3945 to 3946, TC replaced by AA.
Protein change: p.Arg1316Ser; replaces arginine 1316 with serine.
Molecular consequence: missense variant.
Genome position (GRCh38, 1-based): chr11:6,630,848-6,630,849, GA replaced by TT on the plus strand (TC replaced by AA on the coding strand, the reverse complement: DCHS1 is on the minus strand). VCF-style: chr11-6630848-GA-TT. GRCh37 (hg19) VCF-style: chr11-6652079-GA-TT.
Other names: short protein forms R1316S.
Identifiers: ClinVar variation 2967570 (VCV002967570.3), dbSNP rs2493826067, ClinGen allele CA2740093626.
Genomic context (GRCh38, chr11:6,630,848, plus strand): 5'-CGACAGGCACTGGTGCCGCTGGGTCCCGCTCTGCGAGATCTGGGGGCGGCTCGGCCAAGC[GA>TT]GCTGAGGGAAGCACCTGTTGTGGACCGGGGAGGGAGAACAGAATTGTGAGGGCCCGTGTA-3'
Protein context (NP_003728.1, residues 1306-1326): QLLVQVLPSA[Arg1316Ser]LAEPPPDLAE

ClinVar aggregate classification (germline): Uncertain significance (1 of 4 stars; one submission).

Submission:

Labcorp Genetics (formerly Invitae), Labcorp
Classification: Uncertain significance. Last evaluated: 2024-11-04. Review status: criteria provided, single submitter. Criteria: Invitae Variant Classification Sherloc (09022015). Collection method: clinical testing. Allele origin: germline.
Comment: This sequence change replaces arginine, which is basic and polar, with serine, which is neutral and polar, at codon 1316 of the DCHS1 protein (p.Arg1316Ser). Information on the frequency of this variant in the gnomAD database is not available, as this variant may be reported differently in the database. This variant has not been reported in the literature in individuals affected with DCHS1-related conditions. ClinVar contains an entry for this variant (Variation ID: 2967570). Experimental studies and prediction algorithms are not available or were not evaluated, and the functional significance of this variant is currently unknown. In summary, the available evidence is currently insufficient to determine the role of this variant in disease. Therefore, it has been classified as a Variant of Uncertain Significance.